The following is an entry in ClinVar:

NM_020207.7(ERCC6L2):c.1918A>G (p.Ile640Val)

Gene: ERCC6L2 (ERCC excision repair 6 like 2; plus strand). Cytogenetic location: 9q22.32.
Variant type: single nucleotide variant.
Coding change: c.1918A>G on transcript NM_020207.7 (MANE Select); coding-DNA position 1918, A replaced by G.
Protein change: p.Ile640Val; replaces isoleucine 640 with valine.
Molecular consequence: missense variant. On other transcripts: non-coding transcript variant (1).
Genome position (GRCh38, 1-based): chr9:95,955,984, A>G. VCF-style: chr9-95955984-A-G. GRCh37 (hg19) VCF-style: chr9-98718266-A-G.
Other names: c.1918A>G, p.Ile640Val (NM_001010895.4, NM_001375291.1, NM_001375292.1 and 2 more transcripts); short protein forms I640V.
Identifiers: ClinVar variation 1447254 (VCV001447254.9), dbSNP rs765411896, ClinGen allele CA5139745.
Genomic context (GRCh38, chr9:95,955,984, plus strand): 5'-ATTGGACAATGTAGAGATGTCAAAGTGCTTAGGCTGATATCCTTGGGAACTGTGGAGGAA[A>G]TCATGTATTTACGACAGATATACAAGCAGGTAAATATGTTTCCCTTTTTCTGTTTCAGAG-3'
Protein context (NP_064592.3, residues 630-650): RLISLGTVEE[Ile640Val]MYLRQIYKQQ

ClinVar aggregate classification (germline): Uncertain significance. Review status: criteria provided, multiple submitters, no conflicts (2 of 4 stars). 3 submissions from 3 submitters: Uncertain significance (3). Last evaluated 2024-11-30.

Conditions:
Inborn genetic diseases. Identifiers: MedGen C0950123, MeSH D030342.

Allele frequency attached by ClinVar (database versions not stated): ExAC 0.00001; gnomAD 0.00001; gnomAD exomes 0.00001 and 0.00002; TOPMed 0.00003.
gnomAD v4.1: 26 of 1,607,186 alleles (0.0016%); highest among the groups gnomAD compares: South Asian, 0.0033%; no homozygotes.

Submissions (3):

Ambry Genetics
Classification: Uncertain significance for Inborn genetic diseases. Last evaluated: 2024-11-30. Review status: criteria provided, single submitter. Criteria: Ambry Variant Classification Scheme 2023. Collection method: clinical testing. Allele origin: germline.
Comment: The p.I640V variant (also known as c.1918A>G), located in coding exon 13 of the ERCC6L2 gene, results from an A to G substitution at nucleotide position 1918. The isoleucine at codon 640 is replaced by valine, an amino acid with highly similar properties. This amino acid position is conserved. In addition, this alteration is predicted to be tolerated by in silico analysis. Based on the available evidence, the clinical significance of this variant remains unclear.

Labcorp Genetics (formerly Invitae), Labcorp
Classification: Uncertain significance. Last evaluated: 2024-08-06. Review status: criteria provided, single submitter. Criteria: Invitae Variant Classification Sherloc (09022015). Collection method: clinical testing. Allele origin: germline.
Comment: This sequence change replaces isoleucine, which is neutral and non-polar, with valine, which is neutral and non-polar, at codon 651 of the ERCC6L2 protein (p.Ile651Val). This variant is present in population databases (rs765411896, gnomAD 0.002%). This variant has not been reported in the literature in individuals affected with ERCC6L2-related conditions. ClinVar contains an entry for this variant (Variation ID: 1447254). Experimental studies and prediction algorithms are not available or were not evaluated, and the functional significance of this variant is currently unknown. In summary, the available evidence is currently insufficient to determine the role of this variant in disease. Therefore, it has been classified as a Variant of Uncertain Significance.

Blueprint Genetics
Classification: Uncertain significance. Last evaluated: 2024-06-05. Review status: criteria provided, single submitter. Criteria: ACMG Guidelines, 2015. Collection method: clinical testing. Allele origin: germline.